The following is an entry in ClinVar:

ClinVar aggregate classification (germline): Benign/Likely benign. Review status: criteria provided, multiple submitters, no conflicts (2 of 4 stars). 4 submissions from 4 submitters: Benign (1); Likely benign (3). Last evaluated 2024-03-27.

Conditions:
Hereditary cancer-predisposing syndrome. Also called: Neoplastic Syndromes, Hereditary; Tumor predisposition; Hereditary neoplastic syndrome; Hereditary Cancer Syndrome. Identifiers: Orphanet 140162, MedGen C0027672, MeSH D009386, MONDO:0015356.
Familial adenomatous polyposis 1 (FAP1). Also called: POLYPOSIS, ADENOMATOUS INTESTINAL; FAMILIAL ADENOMATOUS POLYPOSIS 1, ATTENUATED. Identifiers: MedGen C2713442, MONDO:0021056, OMIM 175100. Disease mechanism: loss of function.

Allele frequency attached by ClinVar (database versions not stated): gnomAD exomes 0.00001.
gnomAD v4.1: 15 of 1,614,164 alleles (0.00093%); highest among the groups gnomAD compares: Non-Finnish European, 0.0012%; no homozygotes.

Submissions (4):

Myriad Genetics, Inc.
Classification: Benign for Familial adenomatous polyposis 1. Last evaluated: 2024-03-27. Review status: criteria provided, single submitter. Criteria: Myriad Autosomal Dominant, Autosomal Recessive and X-Linked Classification Criteria (2023). Collection method: clinical testing. Allele origin: unknown.
Comment: This variant is considered benign. This variant is a silent/synonymous amino acid change and it is not expected to impact splicing.

Labcorp Genetics (formerly Invitae), Labcorp
Classification: Likely benign for Familial adenomatous polyposis 1. Last evaluated: 2023-12-22. Review status: criteria provided, single submitter. Criteria: Invitae Variant Classification Sherloc (09022015). Collection method: clinical testing. Allele origin: germline.

Color Diagnostics, LLC DBA Color Health
Classification: Likely benign for Hereditary cancer-predisposing syndrome. Last evaluated: 2018-11-26. Review status: criteria provided, single submitter. Criteria: ACMG Guidelines, 2015. Collection method: clinical testing. Allele origin: germline.

Ambry Genetics
Classification: Likely benign for Hereditary cancer-predisposing syndrome. Last evaluated: 2018-05-18. Review status: criteria provided, single submitter. Criteria: Ambry Variant Classification Scheme 2023. Collection method: clinical testing. Allele origin: germline.

NM_000038.6(APC):c.4494T>C (p.Asp1498=)

Gene: APC (APC regulator of Wnt signaling pathway; plus strand). Cytogenetic location: 5q22.2.
Variant type: single nucleotide variant.
Coding change: c.4494T>C on transcript NM_000038.6 (MANE Select); coding-DNA position 4494, T replaced by C.
Protein change: p.Asp1498=; no amino-acid change (aspartic acid 1498 retained).
Molecular consequence: synonymous variant.
Genome position (GRCh38, 1-based): chr5:112,840,088, T>C. VCF-style: chr5-112840088-T-C. GRCh37 (hg19) VCF-style: chr5-112175785-T-C.
Other names: c.4494T>C, p.Asp1498= (NM_001127510.3, NM_001354895.2); c.4440T>C, p.Asp1480= (NM_001127511.3); c.4548T>C, p.Asp1516= (NM_001354896.2); c.4524T>C, p.Asp1508= (NM_001354897.2); c.4419T>C, p.Asp1473= (NM_001354898.2); c.4410T>C, p.Asp1470= (NM_001354899.2); c.4371T>C, p.Asp1457= (NM_001354900.2); c.4317T>C, p.Asp1439= (NM_001354901.2); and 5 more.
Identifiers: ClinVar variation 824938 (VCV000824938.16), dbSNP rs1580648891, ClinGen allele CA446206540.